The following is an entry in ClinVar:

ClinVar aggregate classification (germline): Likely benign (1 of 4 stars; one submission).

Submission:

Women's Health and Genetics/Laboratory Corporation of America, LabCorp
Classification: Likely benign. Last evaluated: 2025-11-05. Review status: criteria provided, single submitter. Criteria: LabCorp Variant Classification Summary - May 2015. Collection method: clinical testing. Allele origin: germline.
Comment: Variant summary: F8 c.5219+13_5219+20delTGGTTATT alters a non-conserved nucleotide located at a position not widely known to affect splicing. Consensus agreement among computation tools predict no significant impact on normal splicing. However, these predictions have yet to be confirmed by functional studies. The variant allele was found at a frequency of 1.1e-05 in 180504 control chromosomes. The available data on variant occurrences in the general population are insufficient to allow any conclusion about variant significance. To our knowledge, no occurrence of c.5219+13_5219+20delTGGTTATT in individuals affected with F8-related conditions and no experimental evidence demonstrating its impact on protein function have been reported. ClinVar contains an entry for this variant (Variation ID: 2691484). Based on the evidence outlined above, the variant was classified as likely benign.

NM_000132.4(F8):c.5219+13_5219+20del

Gene: F8 (coagulation factor VIII; minus strand). Cytogenetic location: Xq28.
Variant type: Deletion.
Coding change: c.5219+13_5219+20del on transcript NM_000132.4 (MANE Select); bases 13 to 20 of the intron after coding-DNA position 5219, 8 bases deleted (TGGTTATT; older notation c.5219+13_5219+20delTGGTTATT).
Molecular consequence: intron variant.
Genome position (GRCh38, 1-based): chrX:154,928,551-154,928,558, AATAACCA deleted on the plus strand (TGGTTATT on the coding strand, the reverse complement: F8 is on the minus strand); deleting any 8 consecutive bases within chrX:154,928,551-154,928,559 gives the same sequence; the c. name uses the placement nearest the transcript's 3' end. VCF-style (leftmost placement, unchanged base first): chrX-154928550-GAATAACCA-G. GRCh37 (hg19) VCF-style: chrX-154156825-GAATAACCA-G.
Other names: c.5219+13_5219+20delTGGTTATT (NM_000132.4).
Identifiers: ClinVar variation 2691484 (VCV002691484.2), dbSNP rs781905194, ClinGen allele CA10568025.